The following is an entry in ClinVar:

ClinVar aggregate classification (germline): Benign. Review status: criteria provided, multiple submitters, no conflicts (2 of 4 stars). 3 submissions from 3 submitters: Benign (3). Last evaluated 2026-03-01.

Allele frequency attached by ClinVar (database versions not stated): gnomAD exomes 0.00257; ExAC 0.00282; ESP Exome Variant Server 0.00361; gnomAD 0.00406 and 0.00423; TOPMed 0.00516; 1000 Genomes Project 0.00978; 1000 Genomes Project 30x 0.01077.

Submissions (12):

CeGaT Center for Human Genetics Tuebingen
Classification: Benign. Last evaluated: 2026-03-01. Review status: criteria provided, single submitter. Criteria: CeGaT Center For Human Genetics Tuebingen Variant Classification Criteria Version 2. Collection method: clinical testing. Allele origin: germline. Affected: yes. Observed: 2 variant alleles.
Comment: CYP7A1: BS1, BS2

Labcorp Genetics (formerly Invitae), Labcorp
Classification: Benign. Last evaluated: 2025-12-08. Review status: criteria provided, single submitter. Criteria: Invitae Variant Classification Sherloc (09022015). Collection method: clinical testing. Allele origin: germline.

Breakthrough Genomics
Classification: Benign. Review status: criteria provided, single submitter. Criteria: ACMG Guidelines, 2015. Collection method: not provided. Allele origin: germline. Inheritance: Unknown mechanism. Affected: yes.

Dr. Peter K. Rogan Lab, Western University
No classification provided (evidence only). Condition: Acute myeloid leukemia. Review status: no classification provided. Collection method: in vitro. Allele origin: not applicable. Functional consequence: retained intron. Not counted in ClinVar's aggregate classification.

Dr. Peter K. Rogan Lab, Western University
No classification provided (evidence only). Condition: Hepatocellular carcinoma. Review status: no classification provided. Collection method: in vitro. Allele origin: not applicable. Functional consequence: retained intron. Not counted in ClinVar's aggregate classification.

Dr. Peter K. Rogan Lab, Western University
No classification provided (evidence only). Condition: Hepatocellular carcinoma. Review status: no classification provided. Collection method: in vitro. Allele origin: not applicable. Functional consequence: retained intron. Not counted in ClinVar's aggregate classification.

Dr. Peter K. Rogan Lab, Western University
No classification provided (evidence only). Condition: Hepatocellular carcinoma. Review status: no classification provided. Collection method: in vitro. Allele origin: not applicable. Functional consequence: retained intron. Not counted in ClinVar's aggregate classification.

Dr. Peter K. Rogan Lab, Western University
No classification provided (evidence only). Condition: Hepatocellular carcinoma. Review status: no classification provided. Collection method: in vitro. Allele origin: not applicable. Functional consequence: retained intron. Not counted in ClinVar's aggregate classification.

Dr. Peter K. Rogan Lab, Western University
No classification provided (evidence only). Condition: Hepatocellular carcinoma. Review status: no classification provided. Collection method: in vitro. Allele origin: not applicable. Functional consequence: retained intron. Not counted in ClinVar's aggregate classification.

Dr. Peter K. Rogan Lab, Western University
No classification provided (evidence only). Condition: Hepatocellular carcinoma. Review status: no classification provided. Collection method: in vitro. Allele origin: not applicable. Functional consequence: retained intron. Not counted in ClinVar's aggregate classification.

Dr. Peter K. Rogan Lab, Western University
No classification provided (evidence only). Condition: Hepatocellular carcinoma. Review status: no classification provided. Collection method: in vitro. Allele origin: not applicable. Functional consequence: retained intron. Not counted in ClinVar's aggregate classification.

Dr. Peter K. Rogan Lab, Western University
No classification provided (evidence only). Condition: Hepatocellular carcinoma. Review status: no classification provided. Collection method: in vitro. Allele origin: not applicable. Functional consequence: retained intron. Not counted in ClinVar's aggregate classification.

NM_000780.4(CYP7A1):c.1039G>A (p.Asp347Asn)

Gene: CYP7A1 (cytochrome P450 family 7 subfamily A member 1; minus strand). Cytogenetic location: 8q12.1.
Variant type: single nucleotide variant.
Coding change: c.1039G>A on transcript NM_000780.4 (MANE Select); coding-DNA position 1039, G replaced by A.
Protein change: p.Asp347Asn; replaces aspartic acid 347 with asparagine.
Molecular consequence: missense variant.
Genome position (GRCh38, 1-based): chr8:58,494,506, C>T on the plus strand (G>A on the coding strand, the complement: CYP7A1 is on the minus strand). VCF-style: chr8-58494506-C-T. GRCh37 (hg19) VCF-style: chr8-59407065-C-T.
Other names: short protein forms D347N.
Identifiers: ClinVar variation 1557936 (VCV001557936.23), dbSNP rs8192875, ClinGen allele CA4756681.